The following is an entry in ClinVar:

ClinVar aggregate classification (germline): Pathogenic (1 of 4 stars; one submission).

Submission:

Labcorp Genetics (formerly Invitae), Labcorp
Classification: Pathogenic. Last evaluated: 2026-01-16. Review status: criteria provided, single submitter. Criteria: Invitae Variant Classification Sherloc (09022015). Collection method: clinical testing. Allele origin: germline.
Comment: This sequence change creates a premature translational stop signal (p.Leu1354Thrfs*16) in the KIF14 gene. It is expected to result in an absent or disrupted protein product. Loss-of-function variants in KIF14 are known to be pathogenic (PMID: 23308235, 29343805, 30388224). This variant is not present in population databases (gnomAD no frequency). This variant has not been reported in the literature in individuals affected with KIF14-related conditions. For these reasons, this variant has been classified as Pathogenic.

Literature cited by the submitters: PubMed 23308235; PubMed 29343805; PubMed 30388224.

NM_014875.3(KIF14):c.4059_4060insACTTACAA (p.Leu1354fs)

Gene: KIF14 (kinesin family member 14; minus strand). Cytogenetic location: 1q32.1.
Variant type: Insertion.
Coding change: c.4059_4060insACTTACAA on transcript NM_014875.3 (MANE Select); coding-DNA positions 4059 to 4060, ACTTACAA inserted.
Protein change: p.Leu1354fs; shifts the reading frame from leucine 1354.
Molecular consequence: frameshift variant.
Genome position: GRCh38 VCF-style: chr1-200565080-A-ATTGTAAGT. GRCh37 (hg19) VCF-style: chr1-200534208-A-ATTGTAAGT.
Other names: c.2586_2587insACTTACAA, p.Leu863fs (NM_001305792.1); short protein forms L1354fs, L863fs.
Identifiers: ClinVar variation 4735483 (VCV004735483.1).